The following is an entry in ClinVar:

ClinVar aggregate classification (germline): Likely benign (0 of 4 stars; one submission).

Conditions:
ADCY6-related disorder. Also called: ADCY6-related condition.

Allele frequency attached by ClinVar (database versions not stated): gnomAD 0.00001; gnomAD exomes 0.00001; TOPMed 0.00001.
gnomAD v4.1: 13 of 1,610,618 alleles (0.00081%); highest among the groups gnomAD compares: Non-Finnish European, 0.001%; no homozygotes.

Submission:

PreventionGenetics, part of Exact Sciences
Classification: Likely benign for ADCY6-related condition. Last evaluated: 2019-11-27. Review status: no assertion criteria provided. Collection method: clinical testing. Allele origin: germline.
Comment: This variant is classified as likely benign based on ACMG/AMP sequence variant interpretation guidelines (Richards et al. 2015 PMID: 25741868, with internal and published modifications).

NM_015270.5(ADCY6):c.852C>T (p.Phe284=)

Gene: ADCY6 (adenylate cyclase 6; minus strand). Cytogenetic location: 12q13.12.
Variant type: single nucleotide variant.
Coding change: c.852C>T on transcript NM_015270.5 (MANE Select); coding-DNA position 852, C replaced by T.
Protein change: p.Phe284=; no amino-acid change (phenylalanine 284 retained).
Molecular consequence: synonymous variant. On other transcripts: non-coding transcript variant (1).
Genome position (GRCh38, 1-based): chr12:48,782,583, G>A on the plus strand (C>T on the coding strand, the complement: ADCY6 is on the minus strand). VCF-style: chr12-48782583-G-A. GRCh37 (hg19) VCF-style: chr12-49176366-G-A.
Other names: c.852C>T, p.Phe284= (NM_001390830.1, NM_001390831.2, NM_001412819.1 and 3 more transcripts).
Identifiers: ClinVar variation 3049103 (VCV003049103.2), dbSNP rs1242330299, ClinGen allele CA479701147.
Genomic context (GRCh38, chr12:48,782,583, plus strand): 5'-GAAATTCCCCACCTGCTGCCCTCCATCCCTACCTCCCTGGCCACCTACCTGCTTCCAGAG[G>A]AAGGCATCACCACGGTTAAGTTGCCAGGCCAAGATCAAATGCAAGGTGGAGAGGCCCAGG-3'
Protein context (NP_056085.1, residues 274-294): LAWQLNRGDA[Phe284=]LWKQLGANVL